The following is an entry in ClinVar:

NM_138694.4(PKHD1):c.4447G>A (p.Glu1483Lys)

Gene: PKHD1 (PKHD1 ciliary IPT domain containing fibrocystin/polyductin; minus strand). Cytogenetic location: 6p12.2.
Variant type: single nucleotide variant.
Coding change: c.4447G>A on transcript NM_138694.4 (MANE Select); coding-DNA position 4447, G replaced by A.
Protein change: p.Glu1483Lys; replaces glutamic acid 1483 with lysine.
Molecular consequence: missense variant.
Genome position (GRCh38, 1-based): chr6:52,025,363, C>T on the plus strand (G>A on the coding strand, the complement: PKHD1 is on the minus strand). VCF-style: chr6-52025363-C-T. GRCh37 (hg19) VCF-style: chr6-51890161-C-T.
Other names: p.Glu1483Lys; c.4447G>A, p.Glu1483Lys (NM_170724.3); short protein forms E1483K.
Identifiers: ClinVar variation 289885 (VCV000289885.23), dbSNP rs146745096, ClinGen allele CA3852721.

ClinVar aggregate classification (germline): Conflicting classifications of pathogenicity. Review status: criteria provided, conflicting classifications (1 of 4 stars). 8 submissions from 7 submitters: Uncertain significance (6); Likely benign (1). 1 of the submissions does not count toward it. Last evaluated 2026-01-19.

Conditions:
Polycystic kidney disease 4 (PKD4). Also called: POLYCYSTIC KIDNEY AND HEPATIC DISEASE 1; POLYCYSTIC KIDNEY DISEASE, INFANTILE, TYPE I; POLYCYSTIC KIDNEY DISEASE 4 WITH OR WITHOUT POLYCYSTIC LIVER DISEASE; PKD3; Autosomal Recessive Polycystic Kidney Disease – PKHD1. Identifiers: MedGen C4540575, MONDO:0033004, OMIM 263200.
PKHD1-related disorder. Also called: PKHD1-related condition.
Autosomal recessive polycystic kidney disease (ARPKD). Also called: AR polycystic kidney disease. Identifiers: Orphanet 731, Orphanet 8378, MedGen C0085548, MeSH D017044, MONDO:0009889.

Allele frequency attached by ClinVar (database versions not stated): gnomAD exomes 0.00001 and 0.00005; ExAC 0.00003; ESP Exome Variant Server 0.00015; 1000 Genomes Project 30x 0.00016; gnomAD 0.00016 and 0.00019; 1000 Genomes Project 0.00020; TOPMed 0.00020.
gnomAD v4.1: 52 of 1,613,626 alleles (0.0032%); highest among the groups gnomAD compares: African/African-American, 0.057%; 1 homozygote.

Submissions (8):

Labcorp Genetics (formerly Invitae), Labcorp
Classification: Likely benign for Autosomal recessive polycystic kidney disease. Last evaluated: 2026-01-19. Review status: criteria provided, single submitter. Criteria: Invitae Variant Classification Sherloc (09022015). Collection method: clinical testing. Allele origin: germline.

PreventionGenetics, part of Exact Sciences
Classification: Uncertain significance for PKHD1-related condition. Last evaluated: 2025-07-20. Review status: criteria provided, single submitter. Criteria: ACMG Guidelines, 2015. Collection method: clinical testing. Allele origin: germline.
Comment: The PKHD1 c.4447G>A variant is predicted to result in the amino acid substitution p.Glu1483Lys. To our knowledge, this variant has not been reported in the literature. This variant is reported in 0.068% of alleles in individuals of African descent in gnomAD, which may be too common to be a primary cause of disease. Although we suspect that this variant may be benign, at this time, the clinical significance of this variant is uncertain due to the absence of conclusive functional and genetic evidence.

Fulgent Genetics
Classification: Uncertain significance for Polycystic kidney disease 4. Last evaluated: 2024-03-09. Review status: criteria provided, single submitter. Criteria: ACMG Guidelines, 2015. Collection method: clinical testing. Allele origin: germline.

GeneDx
Classification: Uncertain significance. Last evaluated: 2022-06-30. Review status: criteria provided, single submitter. Criteria: GeneDx Variant Classification Process June 2021. Collection method: clinical testing. Allele origin: germline. Affected: yes.
Comment: In silico analysis, which includes protein predictors and evolutionary conservation, supports that this variant does not alter protein structure/function; Has not been previously published as pathogenic or benign to our knowledge

Mayo Clinic Laboratories, Mayo Clinic
Classification: Uncertain significance. Last evaluated: 2022-01-03. Review status: criteria provided, single submitter. Criteria: ACMG Guidelines, 2015. Collection method: clinical testing. Allele origin: germline.

Fulgent Genetics
Classification: Uncertain significance for Polycystic kidney disease 4. Last evaluated: 2018-10-31. Review status: criteria provided, single submitter. Criteria: ACMG Guidelines, 2015. Collection method: clinical testing. Allele origin: unknown.

Eurofins Ntd Llc (ga)
Classification: Uncertain significance. Last evaluated: 2017-07-17. Review status: criteria provided, single submitter. Criteria: EGL Classification Definitions 2015. Collection method: clinical testing. Allele origin: germline. Observed: 5 variant alleles, 5 heterozygotes.

Natera, Inc.
Classification: Uncertain significance for Autosomal recessive polycystic kidney disease. Last evaluated: 2020-09-16. Review status: no assertion criteria provided. Collection method: clinical testing. Allele origin: germline. Not counted in ClinVar's aggregate classification.